The following is an entry in ClinVar:

ClinVar aggregate classification (germline): Uncertain significance. Review status: criteria provided, multiple submitters, no conflicts (2 of 4 stars). 8 submissions from 8 submitters: Uncertain significance (8). Last evaluated 2026-02-24.

Conditions:
Cardiovascular phenotype. Identifiers: MedGen CN230736.
Dilated cardiomyopathy 1Z (CMD1Z). Identifiers: Orphanet 154, MedGen C2678475, MONDO:0012745, OMIM 611879.
Hypertrophic cardiomyopathy 13. Also called: TNNC1-Related Familial Hypertrophic Cardiomyopathy. Identifiers: MedGen C2750472, MONDO:0013195, OMIM 613243.
Cardiomyopathy (CMYO). Also called: Cardiomyopathies. Identifiers: Orphanet 167848, MedGen C0878544, MONDO:0004994, HP:0001638. Inheritance: Various modes of inheritance.

Allele frequency attached by ClinVar (database versions not stated): TOPMed below 0.00001; ExAC 0.00001; gnomAD 0.00001.
gnomAD v4.1: 1 of 1,614,020 alleles (0.000062%); highest among the groups gnomAD compares: African/African-American, 0.0013%; no homozygotes.

Submissions (8):

Ambry Genetics
Classification: Uncertain significance for Cardiovascular phenotype. Last evaluated: 2026-02-24. Review status: criteria provided, single submitter. Criteria: Ambry Variant Classification Scheme 2023. Collection method: clinical testing. Allele origin: germline.
Comment: The p.E126K variant (also known as c.376G>A), located in coding exon 5 of the TNNC1 gene, results from a G to A substitution at nucleotide position 376. The glutamic acid at codon 126 is replaced by lysine, an amino acid with similar properties. This variant was reported in individual(s) with features consistent with left ventricular non-compaction (LVNC) (Hirono K et al. Int J Cardiol, 2021 Apr;328:122-129; Hirono K et al. J Am Heart Assoc, 2024 Nov;13:e035614). This amino acid position is highly conserved in available vertebrate species. In addition, the in silico prediction for this alteration is inconclusive. Based on the available evidence, the clinical significance of this variant remains unclear.

Genesolutions, Medical Genetics Institutes, Ho Chi Minh City, Vietnam
Classification: Uncertain significance for Dilated cardiomyopathy 1Z. Last evaluated: 2025-09-24. Review status: criteria provided, single submitter. Criteria: ACMG Guidelines, 2015. Collection method: clinical testing. Allele origin: germline. Affected: yes.

3billion
Classification: Uncertain significance for Hypertrophic cardiomyopathy 13. Last evaluated: 2025-08-05. Review status: criteria provided, single submitter. Criteria: ACMG Guidelines, 2015. Collection method: clinical testing. Allele origin: germline. Affected: yes.
Comment: The variant is observed at an extremely low frequency in the gnomAD v4.1.0 dataset (total allele frequency: <0.001%). Predicted Consequence/Location: Missense variant. Missense changes are a common disease-causing mechanism. In silico tool predictions suggest damaging effect of the variant on gene or gene product [REVEL: 0.62 (>=0.6, sensitivity 0.68 and specificity 0.92); 3Cnet: 0.90 (> 0.75, sensitivity 0.96 and precision 0.92)]. The variant has been reported as of uncertain significance (ClinVar ID: VCV000181566; PMID: 33309763; 3billion dataset). Therefore, this variant is classified as VUS according to the recommendation of ACMG/AMP guideline.

Labcorp Genetics (formerly Invitae), Labcorp
Classification: Uncertain significance for Hypertrophic cardiomyopathy 13; Dilated cardiomyopathy 1Z. Last evaluated: 2024-12-23. Review status: criteria provided, single submitter. Criteria: Invitae Variant Classification Sherloc (09022015). Collection method: clinical testing. Allele origin: germline.
Comment: This sequence change replaces glutamic acid, which is acidic and polar, with lysine, which is basic and polar, at codon 126 of the TNNC1 protein (p.Glu126Lys). This variant is present in population databases (rs730881060, gnomAD 0.007%). This missense change has been observed in individual(s) with left ventricular noncompaction (PMID: 33309763). ClinVar contains an entry for this variant (Variation ID: 181566). An algorithm developed to predict the effect of missense changes on protein structure and function (PolyPhen-2) suggests that this variant is likely to be tolerated. In summary, the available evidence is currently insufficient to determine the role of this variant in disease. Therefore, it has been classified as a Variant of Uncertain Significance.

Blueprint Genetics
Classification: Uncertain significance. Last evaluated: 2024-07-12. Review status: criteria provided, single submitter. Criteria: ACMG Guidelines, 2015. Collection method: clinical testing. Allele origin: germline.

Clinical Genetics Laboratory, Skane University Hospital Lund
Classification: Uncertain significance. Last evaluated: 2023-10-24. Review status: criteria provided, single submitter. Criteria: ACMG Guidelines, 2015. Collection method: clinical testing. Allele origin: germline. Affected: yes.

CHEO Genetics Diagnostic Laboratory, Children's Hospital of Eastern Ontario
Classification: Uncertain significance for Cardiomyopathy. Last evaluated: 2018-02-09. Review status: criteria provided, single submitter. Criteria: ACMG Guidelines, 2015. Collection method: clinical testing. Allele origin: germline.

GeneDx
Classification: Uncertain significance. Last evaluated: 2014-08-22. Review status: criteria provided, single submitter. Criteria: GeneDx Variant Classification (06012015). Collection method: clinical testing. Allele origin: germline. Affected: yes.
Comment: This variant is denoted p.Glu126Lys (GAG>AAG): c.376 G>A in exon 5 of the TNNC1 gene (NM_003280.2). Mutations in the TNNC1 gene are a rare cause of autosomal dominant familial hypertrophic cardiomyopathy and are thought to change calcium sensitivity and heart muscle contraction (Cirino A et al., 2011). Mutation in the TNNC1 gene been reported less frequently in patients with autosomal dominant dilated cardiomyopathy (Morgensen J et al., 2004; Hershberger R et al., 2010). The E126K variant has not been published as a mutation, nor has it been reported as a benign polymorphism to our knowledge. The E126K variant was not observed in approximately 6,500 individuals of European and African American ancestry in the NHLBI Exome Sequencing Project, indicating it is not a common benign variant in these populations. Additionally, the E126K variant is a non-conservative amino acid substitution, which is likely to impact secondary protein structure as these residues differ in polarity, charge, size and/or other properties. This substitution also occurs at a position that is conserved across species. However, in silico analysis is inconsistent in its predictions as to whether or not the variant is damaging to the protein structure/function. Furthermore, only one missense mutation in nearby residues (E134D) has been reported in association with cardiomyopathy. Therefore, based on the currently available information, it is unclear whether this variant is a pathogenic mutation or a rare benign variant. The variant is found in DCM-CRDM panel(s).

Literature cited by the submitters: PubMed 33309763 (cited by Ambry Genetics and Labcorp Genetics (formerly Invitae), Labcorp); PubMed 39494597 (cited by Ambry Genetics).

NM_003280.3(TNNC1):c.376G>A (p.Glu126Lys)

Gene: TNNC1 (troponin C1, slow skeletal and cardiac type; minus strand). Cytogenetic location: 3p21.1.
Variant type: single nucleotide variant.
Coding change: c.376G>A on transcript NM_003280.3 (MANE Select); coding-DNA position 376, G replaced by A.
Protein change: p.Glu126Lys; replaces glutamic acid 126 with lysine.
Molecular consequence: missense variant.
Genome position (GRCh38, 1-based): chr3:52,451,469, C>T on the plus strand (G>A on the coding strand, the complement: TNNC1 is on the minus strand). VCF-style: chr3-52451469-C-T. GRCh37 (hg19) VCF-style: chr3-52485485-C-T.
Other names: p.E126K:GAG>AAG; c.376G>A (LRG_378t1); short protein forms E126K.
Identifiers: ClinVar variation 181566 (VCV000181566.13), dbSNP rs730881060, ClinGen allele CA297325.
Genomic context (GRCh38, chr3:52,451,469, plus strand): 5'-CGTCGTTGTTCTTGTCTCCGTCCTTCATGAGCTCCTCGATGTCGTCCTCCGTGATGGTCT[C>T]GCCTGTAGCCTGCAGCATTATCTTCAGCTCATCCAGGTCGATGTAGCCATCAGCATTTCT-3'
Protein context (NP_003271.1, residues 116-136): ELKIMLQATG[Glu126Lys]TITEDDIEEL